The following is an entry in ClinVar:

ClinVar aggregate classification (germline): Uncertain significance (1 of 4 stars; one submission).

gnomAD v4.1: 31 of 1,185,314 alleles (0.0026%); highest among the groups gnomAD compares: Non-Finnish European, 0.0034%; no homozygotes.

Submission:

Labcorp Genetics (formerly Invitae), Labcorp
Classification: Uncertain significance. Last evaluated: 2024-06-10. Review status: criteria provided, single submitter. Criteria: Invitae Variant Classification Sherloc (09022015). Collection method: clinical testing. Allele origin: germline.
Comment: This sequence change replaces arginine, which is basic and polar, with glutamine, which is neutral and polar, at codon 468 of the HUWE1 protein (p.Arg468Gln). The frequency data for this variant in the population databases is considered unreliable, as metrics indicate poor data quality at this position in the gnomAD database. This variant has not been reported in the literature in individuals affected with HUWE1-related conditions. Advanced modeling of protein sequence and biophysical properties (such as structural, functional, and spatial information, amino acid conservation, physicochemical variation, residue mobility, and thermodynamic stability) performed at Invitae indicates that this missense variant is expected to disrupt HUWE1 protein function with a positive predictive value of 95%. In summary, the available evidence is currently insufficient to determine the role of this variant in disease. Therefore, it has been classified as a Variant of Uncertain Significance.

NM_031407.7(HUWE1):c.1403G>A (p.Arg468Gln)

Gene: HUWE1 (HECT, UBA and WWE domain containing E3 ubiquitin protein ligase 1; minus strand). Cytogenetic location: Xp11.22.
Variant type: single nucleotide variant.
Coding change: c.1403G>A on transcript NM_031407.7 (MANE Select); coding-DNA position 1403, G replaced by A.
Protein change: p.Arg468Gln; replaces arginine 468 with glutamine.
Molecular consequence: missense variant.
Genome position (GRCh38, 1-based): chrX:53,627,496, C>T on the plus strand (G>A on the coding strand, the complement: HUWE1 is on the minus strand). VCF-style: chrX-53627496-C-T. GRCh37 (hg19) VCF-style: chrX-53654447-C-T.
Other names: short protein forms R468Q.
Identifiers: ClinVar variation 3613331 (VCV003613331.2).